The following is an entry in ClinVar:

NM_024422.6(DSC2):c.607C>G (p.Arg203Gly)

Gene: DSC2 (desmocollin 2; minus strand). Cytogenetic location: 18q12.1.
Variant type: single nucleotide variant.
Coding change: c.607C>G on transcript NM_024422.6 (MANE Select); coding-DNA position 607, C replaced by G.
Protein change: p.Arg203Gly; replaces arginine 203 with glycine.
Molecular consequence: missense variant.
Genome position (GRCh38, 1-based): chr18:31,089,462, G>C on the plus strand (C>G on the coding strand, the complement: DSC2 is on the minus strand). VCF-style: chr18-31089462-G-C. GRCh37 (hg19) VCF-style: chr18-28669425-G-C.
Other names: c.178C>G, p.Arg60Gly (NM_001406506.1, NM_001406507.1); c.607C>G, p.Arg203Gly (NM_004949.5); short protein forms R203G, R60G.
Identifiers: ClinVar variation 4703702 (VCV004703702.1).
Genomic context (GRCh38, chr18:31,089,462, plus strand): 5'-ATCATTGCTAATACAGTACACACATTTTAGACTTTACCTCAAAAGATTCATACTGCTCAC[G>C]ATCTACAGGACGAGTACAATACAAGTTTCCAGTGTCTCTCTCCACATAAAATAAATTCCG-3'
Protein context (NP_077740.1, residues 193-213): GNLYCTRPVD[Arg203Gly]EQYESFEIIA

ClinVar aggregate classification (germline): Uncertain significance (1 of 4 stars; one submission).

Conditions:
Arrhythmogenic right ventricular dysplasia 11. Also called: ARRHYTHMOGENIC RIGHT VENTRICULAR DYSPLASIA, FAMILIAL, 11; Arrhythmogenic Right Ventricular Dysplasia/Cardiomyopathy11; Arrhythmogenic right ventricular dysplasia 11 with mild palmoplantar keratoderma and woolly hair. Identifiers: MedGen C1864850, MONDO:0012506, OMIM 610476.

Submission:

Labcorp Genetics (formerly Invitae), Labcorp
Classification: Uncertain significance for Arrhythmogenic right ventricular dysplasia 11. Last evaluated: 2025-10-26. Review status: criteria provided, single submitter. Criteria: Invitae Variant Classification Sherloc (09022015). Collection method: clinical testing. Allele origin: germline.
Comment: This sequence change replaces arginine, which is basic and polar, with glycine, which is neutral and non-polar, at codon 203 of the DSC2 protein (p.Arg203Gly). This variant is not present in population databases (gnomAD no frequency). This variant has not been reported in the literature in individuals affected with DSC2-related conditions. Invitae Evidence Modeling of protein sequence and biophysical properties (such as structural, functional, and spatial information, amino acid conservation, physicochemical variation, residue mobility, and thermodynamic stability) indicates that this missense variant is expected to disrupt DSC2 protein function with a positive predictive value of 80%. Algorithms developed to predict the effect of sequence changes on RNA splicing suggest that this variant may create or strengthen a splice site. This variant disrupts the p.Arg203 amino acid residue in DSC2. Other variant(s) that disrupt this residue have been observed in individuals with DSC2-related conditions (PMID: 21062920, 21636032), which suggests that this may be a clinically significant amino acid residue. In summary, the available evidence is currently insufficient to determine the role of this variant in disease. Therefore, it has been classified as a Variant of Uncertain Significance.

Literature cited by the submitters: PubMed 21062920; PubMed 21636032.